The following is an entry in ClinVar:

NM_004637.6(RAB7A):c.489G>C (p.Glu163Asp)

Gene: RAB7A (RAB7A, member RAS oncogene family; plus strand). Cytogenetic location: 3q21.3.
Variant type: single nucleotide variant.
Coding change: c.489G>C on transcript NM_004637.6 (MANE Select); coding-DNA position 489, G replaced by C.
Protein change: p.Glu163Asp; replaces glutamic acid 163 with aspartic acid.
Molecular consequence: missense variant.
Genome position (GRCh38, 1-based): chr3:128,807,632, G>C. VCF-style: chr3-128807632-G-C. GRCh37 (hg19) VCF-style: chr3-128526475-G-C.
Other names: short protein forms E163D.
Identifiers: ClinVar variation 1908399 (VCV001908399.5), dbSNP rs200290674, ClinGen allele CA82632249.

ClinVar aggregate classification (germline): Uncertain significance (1 of 4 stars; one submission).

Conditions:
Charcot-Marie-Tooth disease type 2B (CMT2B). Also called: CHARCOT-MARIE-TOOTH DISEASE, AXONAL, TYPE 2B; CHARCOT-MARIE-TOOTH DISEASE, AUTOSOMAL DOMINANT, TYPE 2B; HEREDITARY MOTOR AND SENSORY NEUROPATHY IIB; Charcot-Marie-Tooth Neuropathy Type 2B. Identifiers: Orphanet 99936, MedGen C1833219, MONDO:0010949, OMIM 600882.

Allele frequency attached by ClinVar (database versions not stated): gnomAD 0.00001; 1000 Genomes Project 0.00020; 1000 Genomes Project 30x 0.00031.

Submission:

Labcorp Genetics (formerly Invitae), Labcorp
Classification: Uncertain significance for Charcot-Marie-Tooth disease type 2B. Last evaluated: 2022-01-26. Review status: criteria provided, single submitter. Criteria: Invitae Variant Classification Sherloc (09022015). Collection method: clinical testing. Allele origin: germline.
Comment: This variant has not been reported in the literature in individuals affected with RAB7A-related conditions. This variant is not present in population databases (gnomAD no frequency). This sequence change replaces glutamic acid, which is acidic and polar, with aspartic acid, which is acidic and polar, at codon 163 of the RAB7A protein (p.Glu163Asp). Algorithms developed to predict the effect of missense changes on protein structure and function (SIFT, PolyPhen-2, Align-GVGD) all suggest that this variant is likely to be tolerated. In summary, the available evidence is currently insufficient to determine the role of this variant in disease. Therefore, it has been classified as a Variant of Uncertain Significance.